The following is an entry in ClinVar:

NM_000057.4(BLM):c.1934A>G (p.Gln645Arg)

Gene: BLM (BLM RecQ like helicase; plus strand). Cytogenetic location: 15q26.1.
Variant type: single nucleotide variant.
Coding change: c.1934A>G on transcript NM_000057.4 (MANE Select); coding-DNA position 1934, A replaced by G.
Protein change: p.Gln645Arg; replaces glutamine 645 with arginine.
Molecular consequence: missense variant.
Genome position (GRCh38, 1-based): chr15:90,763,017, A>G. VCF-style: chr15-90763017-A-G. GRCh37 (hg19) VCF-style: chr15-91306247-A-G.
Other names: c.1934A>G (LRG_20t1); c.1934A>G, p.Gln645Arg (NM_001287246.2, NM_001287247.2); c.809A>G, p.Gln270Arg (NM_001287248.2); short protein forms Q645R, Q270R.
Identifiers: ClinVar variation 405318 (VCV000405318.28), dbSNP rs377563699, ClinGen allele CA7738622.
Genomic context (GRCh38, chr15:90,763,017, plus strand): 5'-TTTTCCTAGACAAGTCAGCACAAAATTTAGCATCCAGAAATCTGAAACATGAGCGTTTCC[A>G]AAGTCTTAGTTTTCCTCATACAAAGGAAATGATGAAGATTTTTCATAAAAAATTTGGCCT-3'
Protein context (NP_000048.1, residues 635-655): ASRNLKHERF[Gln645Arg]SLSFPHTKEM

ClinVar aggregate classification (germline): Uncertain significance. Review status: criteria provided, multiple submitters, no conflicts (2 of 4 stars). 9 submissions from 9 submitters: Uncertain significance (9). Last evaluated 2026-10-01.

Conditions:
Hereditary cancer-predisposing syndrome. Also called: Hereditary neoplastic syndrome; Neoplastic Syndromes, Hereditary; Hereditary Cancer Syndrome; Tumor predisposition. Identifiers: Orphanet 140162, MedGen C0027672, MeSH D009386, MONDO:0015356.
Bloom syndrome (BLM). Also called: Bloom-Torre-Machacek syndrome. Identifiers: Orphanet 125, MedGen C0005859, MONDO:0008876, OMIM 210900.
BLM-related disorder. Also called: BLM-related condition.

Allele frequency attached by ClinVar (database versions not stated): gnomAD exomes 0.00001; TOPMed 0.00006; ESP Exome Variant Server 0.00008.
gnomAD v4.1: 47 of 1,613,488 alleles (0.0029%); highest among the groups gnomAD compares: African/African-American, 0.044%; no homozygotes.

Submissions (9):

St. Jude Molecular Pathology, St. Jude Children's Research Hospital
Classification: Uncertain significance for Bloom syndrome. Last evaluated: 2026-10-01. Review status: criteria provided, single submitter. Criteria: St. Jude Assertion Criteria 2020. Collection method: clinical testing. Allele origin: germline.
Comment: The BLM c.1934A>G p.(Gln645Arg) missense change has a maximum subpopulation frequency of 0.04% in gnomAD v2.1.1. The in silico tool REVEL predicts a benign effect on protein fun ction, but to our knowledge this prediction has not been confirmed by functional studies. To our knowledge, this variant has not been reported in individuals with Bloom syndrome. In summary, the evidence currently available is insufficient to determine t he clinical significance of this variant. It has therefore been classified as of uncertain significance.

Labcorp Genetics (formerly Invitae), Labcorp
Classification: Uncertain significance for Bloom syndrome. Last evaluated: 2025-12-30. Review status: criteria provided, single submitter. Criteria: Invitae Variant Classification Sherloc (09022015). Collection method: clinical testing. Allele origin: germline.
Comment: This sequence change replaces glutamine, which is neutral and polar, with arginine, which is basic and polar, at codon 645 of the BLM protein (p.Gln645Arg). This variant is present in population databases (rs377563699, gnomAD 0.04%). This missense change has been observed in individual(s) with colorectal cancer and/or hematological malignancy (PMID: 28944238, 33850299). ClinVar contains an entry for this variant (Variation ID: 405318). Invitae Evidence Modeling of protein sequence and biophysical properties (such as structural, functional, and spatial information, amino acid conservation, physicochemical variation, residue mobility, and thermodynamic stability) indicates that this missense variant is not expected to disrupt BLM protein function with a negative predictive value of 80%. In summary, the available evidence is currently insufficient to determine the role of this variant in disease. Therefore, it has been classified as a Variant of Uncertain Significance.

PreventionGenetics, part of Exact Sciences
Classification: Uncertain significance for BLM-related condition. Last evaluated: 2025-11-29. Review status: criteria provided, single submitter. Criteria: ACMG Guidelines, 2015. Collection method: clinical testing. Allele origin: germline.
Comment: The BLM c.1934A>G variant is predicted to result in the amino acid substitution p.Gln645Arg. This variant has been reported in an individual with colorectal cancer (Table S2, DeRycke et al. 2017. PubMed ID: 28944238). It has also been reported in an individual with hematological malignancy and other independent cancer(s) who also carried a variant in another putative causative gene (Patient UC130, Table S5, Singhal et al. 2021. PubMed ID: 33850299). This variant is reported in 0.036% of alleles in individuals of African descent in gnomAD and is interpreted as a variant of uncertain significance in ClinVar (Variation ID: 405318). At this time, the clinical significance of this variant is uncertain due to the absence of conclusive functional and genetic evidence.

Dasa
Classification: Uncertain significance. Last evaluated: 2025-04-16. Review status: criteria provided, single submitter. Criteria: DASA Assertion Criteria. Collection method: clinical testing. Allele origin: germline.
Comment: NM_000057.4(BLM):c.1934A>G (p.Gln645Arg) is a missense variant that results in the substitution of glutamine with arginine. Published studies describe this variant in association with related phenotype (PMID: 30523343). Also, this variant is rare in population databases. Computational prediction algorithms are consistent with a benign effect. The currently available literature and clinical evidence are not sufficient to establish a definitive association between this variant and the reported condition. Therefore, this variant is classified as a variant of uncertain significance.

Quest Diagnostics Nichols Institute San Juan Capistrano
Classification: Uncertain significance. Last evaluated: 2024-10-29. Review status: criteria provided, single submitter. Criteria: Quest Diagnostics criteria. Collection method: clinical testing. Allele origin: unknown.
Comment: The BLM c.1934A>G (p.Gln645Arg) variant has been reported in the published literature in an individual with colorectal cancer (PMID: 28944238 (2017)) and in a cohort of individuals with multiple cancers who also had hematological disorders (PMID: 33850299 (2021)). The frequency of this variant in the general population, 0.00036 (9/24868 chromosomes (Genome Aggregation Database)), is uninformative in the assessment of its pathogenicity. Analysis of this variant using bioinformatics tools for the prediction of the effect of amino acid changes on protein structure and function yielded predictions that this variant is benign. Based on the available information, we are unable to determine the clinical significance of this variant.

GeneDx
Classification: Uncertain significance. Last evaluated: 2024-07-23. Review status: criteria provided, single submitter. Criteria: GeneDx Variant Classification Process June 2021. Collection method: clinical testing. Allele origin: germline. Affected: yes.
Comment: In silico analysis indicates that this missense variant does not alter protein structure/function; This variant is associated with the following publications: (PMID: 33850299, 28944238)

Ambry Genetics
Classification: Uncertain significance for Hereditary cancer-predisposing syndrome. Last evaluated: 2023-01-05. Review status: criteria provided, single submitter. Criteria: Ambry Variant Classification Scheme 2023. Collection method: clinical testing. Allele origin: germline.
Comment: The p.Q645R variant (also known as c.1934A>G), located in coding exon 7 of the BLM gene, results from an A to G substitution at nucleotide position 1934. The glutamine at codon 645 is replaced by arginine, an amino acid with highly similar properties. This amino acid position is not well conserved in available vertebrate species. In addition, this alteration is predicted to be tolerated by in silico analysis. Since supporting evidence is limited at this time, the clinical significance of this alteration remains unclear.

Mendelics
Classification: Uncertain significance for Bloom syndrome. Last evaluated: 2019-05-28. Review status: criteria provided, single submitter. Criteria: Mendelics Assertion Criteria 2017. Collection method: clinical testing. Allele origin: unknown.

Genetic Services Laboratory, University of Chicago
Classification: Uncertain significance. Last evaluated: 2019-02-27. Review status: criteria provided, single submitter. Criteria: ACMG Guidelines, 2015. Collection method: clinical testing. Allele origin: germline. Affected: no.

Literature cited by the submitters: PubMed 28944238 (cited by Labcorp Genetics (formerly Invitae), Labcorp and Quest Diagnostics Nichols Institute San Juan Capistrano); PubMed 33850299 (cited by Labcorp Genetics (formerly Invitae), Labcorp and Quest Diagnostics Nichols Institute San Juan Capistrano); PubMed 30523343 (cited by Dasa); PubMed 31420779 (cited by Quest Diagnostics Nichols Institute San Juan Capistrano).